The following is an entry in ClinVar:

ClinVar aggregate classification (germline): Pathogenic/Likely pathogenic. Review status: criteria provided, multiple submitters, no conflicts (2 of 4 stars). 2 submissions from 2 submitters: Pathogenic (1); Likely pathogenic (1). Last evaluated 2020-01-06.

Conditions:
Neurodevelopmental delay. Identifiers: MedGen C4022738, HP:0012758.

Submissions (2):

GeneDx
Classification: Likely pathogenic. Last evaluated: 2020-01-06. Review status: criteria provided, single submitter. Criteria: GeneDx Variant Classification Process June 2021. Collection method: clinical testing. Allele origin: germline. Affected: yes.
Comment: Nonsense variant predicted to result in protein truncation or nonsense mediated decay in a gene for which loss-of-function is a known mechanism of disease; Not observed in large population cohorts (Lek et al., 2016); Has not been previously published as pathogenic or benign to our knowledge

Centre de Biologie Pathologie Génétique, Centre Hospitalier Universitaire de Lille
Classification: Pathogenic for Neurodevelopmental delay. Review status: criteria provided, single submitter. Criteria: ACMG Guidelines, 2015. Collection method: clinical testing. Allele origin: inherited. Affected: yes.

NM_001330288.2(SMARCC2):c.326dup (p.Tyr109Ter)

Gene: SMARCC2 (SWI/SNF related, matrix associated, actin dependent regulator of chromatin subfamily c member 2; minus strand). Cytogenetic location: 12q13.2.
Variant type: Duplication.
Coding change: c.326dup on transcript NM_001330288.2 (MANE Select); coding-DNA position 326, one base duplicated (A; older notation c.326dupA).
Protein change: p.Tyr109Ter; replaces tyrosine 109 with a stop codon.
Molecular consequence: nonsense.
Genome position (GRCh38, 1-based): chr12:56,185,103, T duplicated on the plus strand (A on the coding strand, the reverse complement: SMARCC2 is on the minus strand). VCF-style (leftmost placement, unchanged base first): chr12-56185102-G-GT. GRCh37 (hg19) VCF-style: chr12-56578886-G-GT.
Other names: c.326dup, p.Tyr109Ter (NM_001130420.3, NM_003075.5, NM_139067.4); short protein forms Y109*.
Identifiers: ClinVar variation 1209541 (VCV001209541.4), dbSNP rs2135750656, ClinGen allele CA2499221760.